The following is an entry in ClinVar:

ClinVar aggregate classification (germline): Likely benign (0 of 4 stars; one submission).

Conditions:
COL4A5-related disorder. Also called: COL4A5-related condition.

gnomAD v4.1: 23 of 1,163,201 alleles (0.002%); highest among the groups gnomAD compares: Non-Finnish European, 0.0027%; no homozygotes.

Submission:

PreventionGenetics, part of Exact Sciences
Classification: Likely benign for COL4A5-related condition. Last evaluated: 2024-04-27. Review status: no assertion criteria provided. Collection method: clinical testing. Allele origin: germline.
Comment: This variant is classified as likely benign based on ACMG/AMP sequence variant interpretation guidelines (Richards et al. 2015 PMID: 25741868, with internal and published modifications).

NM_033380.3(COL4A5):c.2147-3C>T

Gene: COL4A5 (collagen type IV alpha 5 chain; plus strand). Cytogenetic location: Xq22.3.
Variant type: single nucleotide variant.
Coding change: c.2147-3C>T on transcript NM_033380.3 (MANE Select); 3 bases into the intron before coding-DNA position 2147, C replaced by T.
Molecular consequence: intron variant.
Genome position (GRCh38, 1-based): chrX:108,602,961, C>T. VCF-style: chrX-108602961-C-T. GRCh37 (hg19) VCF-style: chrX-107846191-C-T.
Other names: c.2147-3C>T (NM_000495.5).
Identifiers: ClinVar variation 3357915 (VCV003357915.1).